The following is an entry in ClinVar:

NM_003737.4(DCHS1):c.9482A>C (p.Tyr3161Ser)

Gene: DCHS1 (dachsous cadherin-related 1; minus strand). Cytogenetic location: 11p15.4.
Variant type: single nucleotide variant.
Coding change: c.9482A>C on transcript NM_003737.4 (MANE Select); coding-DNA position 9482, A replaced by C.
Protein change: p.Tyr3161Ser; replaces tyrosine 3161 with serine.
Molecular consequence: missense variant.
Genome position (GRCh38, 1-based): chr11:6,622,194, T>G on the plus strand (A>C on the coding strand, the complement: DCHS1 is on the minus strand). VCF-style: chr11-6622194-T-G. GRCh37 (hg19) VCF-style: chr11-6643425-T-G.
Other names: short protein forms Y3161S.
Identifiers: ClinVar variation 2477404 (VCV002477404.3), dbSNP rs767319271, ClinGen allele CA379478661.

ClinVar aggregate classification (germline): Uncertain significance. Review status: criteria provided, multiple submitters, no conflicts (2 of 4 stars). 2 submissions from 2 submitters: Uncertain significance (2). Last evaluated 2025-04-19.

Conditions:
Inborn genetic diseases. Identifiers: MedGen C0950123, MeSH D030342.

Submissions (2):

Labcorp Genetics (formerly Invitae), Labcorp
Classification: Uncertain significance. Last evaluated: 2025-04-19. Review status: criteria provided, single submitter. Criteria: Invitae Variant Classification Sherloc (09022015). Collection method: clinical testing. Allele origin: germline.
Comment: This sequence change replaces tyrosine, which is neutral and polar, with serine, which is neutral and polar, at codon 3161 of the DCHS1 protein (p.Tyr3161Ser). This variant is not present in population databases (gnomAD no frequency). This variant has not been reported in the literature in individuals affected with DCHS1-related conditions. ClinVar contains an entry for this variant (Variation ID: 2477404). Invitae Evidence Modeling of protein sequence and biophysical properties (such as structural, functional, and spatial information, amino acid conservation, physicochemical variation, residue mobility, and thermodynamic stability) indicates that this missense variant is not expected to disrupt DCHS1 protein function with a negative predictive value of 80%. In summary, the available evidence is currently insufficient to determine the role of this variant in disease. Therefore, it has been classified as a Variant of Uncertain Significance.

Ambry Genetics
Classification: Uncertain significance for Inborn genetic diseases. Last evaluated: 2023-01-23. Review status: criteria provided, single submitter. Criteria: Ambry Variant Classification Scheme 2023. Collection method: clinical testing. Allele origin: germline.